The following is an entry in ClinVar:

ClinVar aggregate classification (germline): Conflicting classifications of pathogenicity. Review status: criteria provided, conflicting classifications (1 of 4 stars). 2 submissions from 1 submitter: Uncertain significance (1); Likely benign (1). Last evaluated 2018-01-13.

Conditions:
Susceptibility to mononeuropathy of the median nerve, mild. Also called: CARPAL TUNNEL SYNDROME, SUSCEPTIBILITY TO. Identifiers: MedGen C3150596, MONDO:0013237, OMIM 613353.
Charcot-Marie-Tooth disease type 4C (CMT4C). Also called: CHARCOT-MARIE-TOOTH DISEASE, DEMYELINATING, AUTOSOMAL RECESSIVE, TYPE 4C; CMT 4C; Charcot-Marie-Tooth Neuropathy Type 4C (CMT4C); CHARCOT-MARIE-TOOTH DISEASE, DEMYELINATING, TYPE 4C; SH3TC2-Related Hereditary Motor and Sensory Neuropathy. Identifiers: Orphanet 99949, MedGen C1866636, MONDO:0011113, OMIM 601596.

Allele frequency attached by ClinVar (database versions not stated): 1000 Genomes Project 0.00140; 1000 Genomes Project 30x 0.00141.
gnomAD v4.1: 240 of 152,306 alleles (0.16%); highest among the groups gnomAD compares: African/African-American, 0.53%; no homozygotes.

Submissions (2):

Illumina Laboratory Services, Illumina
Classification: Uncertain significance for Charcot-Marie-Tooth disease type 4C. Last evaluated: 2018-01-13. Review status: criteria provided, single submitter. Criteria: ICSL Variant Classification Criteria 13 December 2019. Collection method: clinical testing. Allele origin: germline.

Illumina Laboratory Services, Illumina
Classification: Likely benign for Susceptibility to mononeuropathy of the median nerve, mild. Last evaluated: 2018-01-13. Review status: criteria provided, single submitter. Criteria: ICSL Variant Classification Criteria 13 December 2019. Collection method: clinical testing. Allele origin: germline.
Comment: This variant was observed in the ICSL laboratory as part of a predisposition screen in an ostensibly healthy population. It had not been previously curated by ICSL or reported in the Human Gene Mutation Database (HGMD: prior to June 1st, 2018), and was therefore a candidate for classification through an automated scoring system. Utilizing variant allele frequency, disease prevalence and penetrance estimates, and inheritance mode, an automated score was calculated to assess if this variant is too frequent to cause the disease. Based on the score and internal cut-off values, a variant classified as likely benign is not then subjected to further curation. The score for this variant resulted in a classification of likely benign for this disease.

NM_024577.4(SH3TC2):c.*19406A>G

Gene: SH3TC2 (SH3 domain and tetratricopeptide repeats 2; minus strand). Cytogenetic location: 5q32.
Variant type: single nucleotide variant.
Coding change: c.*19406A>G on transcript NM_024577.4 (MANE Select); 19406 bases downstream of the stop codon, A replaced by G.
Molecular consequence: 3 prime UTR variant.
Genome position (GRCh38, 1-based): chr5:148,985,305, T>C on the plus strand (A>G on the coding strand, the complement: SH3TC2 is on the minus strand). VCF-style: chr5-148985305-T-C. GRCh37 (hg19) VCF-style: chr5-148364868-T-C.
Identifiers: ClinVar variation 351600 (VCV000351600.5), dbSNP rs72835351, ClinGen allele CA10623115.